The following is an entry in ClinVar:

NM_001458.5(FLNC):c.6251T>A (p.Val2084Glu)

Genes: FLNC (filamin C; plus strand), FLNC-AS1 (FLNC antisense RNA 1; minus strand). Cytogenetic location: 7q32.1.
Variant type: single nucleotide variant.
Coding change: c.6251T>A on transcript NM_001458.5 (MANE Select); coding-DNA position 6251, T replaced by A.
Protein change: p.Val2084Glu; replaces valine 2084 with glutamic acid.
Molecular consequence: missense variant.
Genome position (GRCh38, 1-based): chr7:128,853,511, T>A. VCF-style: chr7-128853511-T-A. GRCh37 (hg19) VCF-style: chr7-128493565-T-A.
Other names: c.6152T>A, p.Val2051Glu (NM_001127487.2); short protein forms V2084E, V2051E.
Identifiers: ClinVar variation 1388339 (VCV001388339.8), dbSNP rs2128939097, ClinGen allele CA369211906.

ClinVar aggregate classification (germline): Uncertain significance (1 of 4 stars; one submission).

Conditions:
Distal myopathy with posterior leg and anterior hand involvement. Also called: WILLIAMS DISTAL MYOPATHY. Identifiers: Orphanet 63273, MedGen C3279722, MONDO:0013550, OMIM 614065.
Myofibrillar myopathy 5. Also called: FILAMINOPATHY, AUTOSOMAL DOMINANT; Filaminopathy (type). Identifiers: Orphanet 171445, MedGen C1836050, MONDO:0012289, OMIM 609524.
Hypertrophic cardiomyopathy 26. Also called: Cardiomyopathy, familial hypertrophic, 26. Identifiers: Orphanet 75249, MedGen C4310749, MONDO:0014883, OMIM 617047.

Submission:

Labcorp Genetics (formerly Invitae), Labcorp
Classification: Uncertain significance for Distal myopathy with posterior leg and anterior hand involvement; Myofibrillar myopathy 5; Hypertrophic cardiomyopathy 26. Last evaluated: 2020-11-11. Review status: criteria provided, single submitter. Criteria: Invitae Variant Classification Sherloc (09022015). Collection method: clinical testing. Allele origin: germline.
Comment: This sequence change replaces valine with glutamic acid at codon 2084 of the FLNC protein (p.Val2084Glu). The valine residue is highly conserved and there is a moderate physicochemical difference between valine and glutamic acid. This variant is not present in population databases (ExAC no frequency). This variant has not been reported in the literature in individuals with FLNC-related conditions. Algorithms developed to predict the effect of missense changes on protein structure and function are either unavailable or do not agree on the potential impact of this missense change (SIFT: "Deleterious"; PolyPhen-2: "Probably Damaging"; Align-GVGD: "Class C15"). In summary, the available evidence is currently insufficient to determine the role of this variant in disease. Therefore, it has been classified as a Variant of Uncertain Significance.